The following is an entry in ClinVar:

ClinVar aggregate classification (germline): Uncertain significance. Review status: criteria provided, multiple submitters, no conflicts (2 of 4 stars). 2 submissions from 2 submitters: Uncertain significance (2). Last evaluated 2023-12-04.

Conditions:
Inborn genetic diseases. Identifiers: MedGen C0950123, MeSH D030342.

Allele frequency attached by ClinVar (database versions not stated): TOPMed 0.00002.
gnomAD v4.1: 25 of 1,597,692 alleles (0.0016%); highest among the groups gnomAD compares: Admixed American, 0.0034%; no homozygotes.

Submissions (2):

Ambry Genetics
Classification: Uncertain significance for Inborn genetic diseases. Last evaluated: 2023-12-04. Review status: criteria provided, single submitter. Criteria: Ambry Variant Classification Scheme 2023. Collection method: clinical testing. Allele origin: germline.

Labcorp Genetics (formerly Invitae), Labcorp
Classification: Uncertain significance. Last evaluated: 2022-08-03. Review status: criteria provided, single submitter. Criteria: Invitae Variant Classification Sherloc (09022015). Collection method: clinical testing. Allele origin: germline.
Comment: This sequence change replaces tyrosine, which is neutral and polar, with cysteine, which is neutral and slightly polar, at codon 301 of the MLC1 protein (p.Tyr301Cys). This variant is present in population databases (no rsID available, gnomAD 0.006%). This variant has not been reported in the literature in individuals affected with MLC1-related conditions. Algorithms developed to predict the effect of missense changes on protein structure and function are either unavailable or do not agree on the potential impact of this missense change (SIFT: "Deleterious"; PolyPhen-2: "Benign"; Align-GVGD: "Class C0"). In summary, the available evidence is currently insufficient to determine the role of this variant in disease. Therefore, it has been classified as a Variant of Uncertain Significance.

NM_015166.4(MLC1):c.902A>G (p.Tyr301Cys)

Gene: MLC1 (modulator of VRAC current 1; minus strand). Cytogenetic location: 22q13.33.
Variant type: single nucleotide variant.
Coding change: c.902A>G on transcript NM_015166.4 (MANE Select); coding-DNA position 902, A replaced by G.
Protein change: p.Tyr301Cys; replaces tyrosine 301 with cysteine.
Molecular consequence: missense variant. On other transcripts: non-coding transcript variant (3).
Genome position (GRCh38, 1-based): chr22:50,064,191, T>C on the plus strand (A>G on the coding strand, the complement: MLC1 is on the minus strand). VCF-style: chr22-50064191-T-C. GRCh37 (hg19) VCF-style: chr22-50502620-T-C.
Other names: c.902A>G, p.Tyr301Cys (NM_001376472.1, NM_001376473.1, NM_001376474.1 and 5 more transcripts); c.845A>G, p.Tyr282Cys (NM_001376479.1); c.812A>G, p.Tyr271Cys (NM_001376480.1); c.800A>G, p.Tyr267Cys (NM_001376481.1); c.746A>G, p.Tyr249Cys (NM_001376482.1, NM_001376483.1); c.665A>G, p.Tyr222Cys (NM_001376484.1); c.902A>G (NM_015166.3); short protein forms Y282C, Y222C, Y267C, Y271C, Y301C, Y249C.
Identifiers: ClinVar variation 2159817 (VCV002159817.2), dbSNP rs750071175, ClinGen allele CA412106410.
Genomic context (GRCh38, chr22:50,064,191, plus strand): 5'-CCCGTGTTGAGGCCGGCCTGCAGCAGGAGCACTAGCAGCAGCAGCAGCAGCAGCACATCG[T>C]AGGATGGCTGCAGGCGGAAGGAGGTGTGAGCAGAGTGGCCCAGCCGCCCTCCAGCCCAGG-3'
Protein context (NP_055981.1, residues 291-311): KDYPPAIKPS[Tyr301Cys]DVLLLLLLLV